The following is an entry in ClinVar:

ClinVar aggregate classification (germline): Uncertain significance. Review status: criteria provided, multiple submitters, no conflicts (2 of 4 stars). 3 submissions from 3 submitters: Uncertain significance (3). Last evaluated 2026-07-08.

Conditions:
Hyper-IgE recurrent infection syndrome 3, autosomal recessive. Also called: Autosomal recessive hyper-IgE syndrome due to ZNF341 deficiency; HYPER-IgE SYNDROME 3, AUTOSOMAL RECESSIVE, WITH RECURRENT INFECTIONS. Identifiers: Orphanet 641368, MedGen C4748969, MONDO:0032654, OMIM 618282.
Inborn genetic diseases. Identifiers: MedGen C0950123, MeSH D030342.

Allele frequency attached by ClinVar (database versions not stated): gnomAD exomes 0.00001; gnomAD 0.00003; TOPMed 0.00006.
gnomAD v4.1: 12 of 1,613,982 alleles (0.00074%); highest among the groups gnomAD compares: Admixed American, 0.0083%; no homozygotes.

Submissions (3):

Ambry Genetics
Classification: Uncertain significance for Inborn genetic diseases. Last evaluated: 2026-07-08. Review status: criteria provided, single submitter. Criteria: Ambry Variant Classification Scheme 2023. Collection method: clinical testing. Allele origin: germline.

Women's Health and Genetics/Laboratory Corporation of America, LabCorp
Classification: Uncertain significance. Last evaluated: 2022-05-03. Review status: criteria provided, single submitter. Criteria: LabCorp Variant Classification Summary - May 2015. Collection method: clinical testing. Allele origin: germline.

Labcorp Genetics (formerly Invitae), Labcorp
Classification: Uncertain significance for Combined immunodeficiency due to DOCK8 deficiency. Last evaluated: 2022-03-11. Review status: criteria provided, single submitter. Criteria: Invitae Variant Classification Sherloc (09022015). Collection method: clinical testing. Allele origin: germline.
Comment: In summary, the available evidence is currently insufficient to determine the role of this variant in disease. Therefore, it has been classified as a Variant of Uncertain Significance. Algorithms developed to predict the effect of missense changes on protein structure and function (SIFT, PolyPhen-2, Align-GVGD) all suggest that this variant is likely to be tolerated. This variant has not been reported in the literature in individuals affected with DOCK8-related conditions. This variant is present in population databases (no rsID available, gnomAD 0.009%). This sequence change replaces glutamic acid, which is acidic and polar, with lysine, which is basic and polar, at codon 1152 of the DOCK8 protein (p.Glu1152Lys).

NM_203447.4(DOCK8):c.3454G>A (p.Glu1152Lys)

Gene: DOCK8 (dedicator of cytokinesis 8; plus strand). Cytogenetic location: 9p24.3.
Variant type: single nucleotide variant.
Coding change: c.3454G>A on transcript NM_203447.4 (MANE Select); coding-DNA position 3454, G replaced by A.
Protein change: p.Glu1152Lys; replaces glutamic acid 1152 with lysine.
Molecular consequence: missense variant.
Genome position (GRCh38, 1-based): chr9:406,993, G>A. VCF-style: chr9-406993-G-A. GRCh37 (hg19) VCF-style: chr9-406993-G-A.
Other names: c.3154G>A, p.Glu1052Lys (NM_001190458.2); c.3250G>A, p.Glu1084Lys (NM_001193536.2); short protein forms E1052K, E1084K, E1152K.
Identifiers: ClinVar variation 1696051 (VCV001696051.5), dbSNP rs1438287343, ClinGen allele CA372758439.